The following is an entry in ClinVar:

ClinVar aggregate classification (germline): Uncertain significance (1 of 4 stars; one submission).

Allele frequency attached by ClinVar (database versions not stated): gnomAD exomes below 0.00001 and 0.00002; ExAC 0.00002.
gnomAD v4.1: 6 of 1,614,036 alleles (0.00037%); highest among the groups gnomAD compares: Admixed American, 0.0083%; no homozygotes.

Submission:

Labcorp Genetics (formerly Invitae), Labcorp
Classification: Uncertain significance. Last evaluated: 2024-10-24. Review status: criteria provided, single submitter. Criteria: Invitae Variant Classification Sherloc (09022015). Collection method: clinical testing. Allele origin: germline.
Comment: This sequence change replaces glycine, which is neutral and non-polar, with glutamic acid, which is acidic and polar, at codon 443 of the ERCC6 protein (p.Gly443Glu). This variant is present in population databases (rs755054032, gnomAD 0.01%). This variant has not been reported in the literature in individuals affected with ERCC6-related conditions. ClinVar contains an entry for this variant (Variation ID: 1422001). Invitae Evidence Modeling of protein sequence and biophysical properties (such as structural, functional, and spatial information, amino acid conservation, physicochemical variation, residue mobility, and thermodynamic stability) indicates that this missense variant is not expected to disrupt ERCC6 protein function with a negative predictive value of 80%. In summary, the available evidence is currently insufficient to determine the role of this variant in disease. Therefore, it has been classified as a Variant of Uncertain Significance.

NM_000124.4(ERCC6):c.1328G>A (p.Gly443Glu)

Genes: PGBD3 (piggyBac transposable element derived 3; minus strand), ERCC6 (ERCC excision repair 6, chromatin remodeling factor; minus strand). Cytogenetic location: 10q11.23.
Variant type: single nucleotide variant.
Coding change: c.1328G>A on transcript NM_000124.4 (MANE Select); coding-DNA position 1328, G replaced by A.
Protein change: p.Gly443Glu; replaces glycine 443 with glutamic acid.
Molecular consequence: missense variant. On other transcripts: 5 prime UTR variant (1).
Genome position (GRCh38, 1-based): chr10:49,524,102, C>T on the plus strand (G>A on the coding strand, the complement: ERCC6 is on the minus strand). VCF-style: chr10-49524102-C-T. GRCh37 (hg19) VCF-style: chr10-50732148-C-T.
Other names: c.1328G>A, p.Gly443Glu (NM_001277058.2, NM_001277059.2, NM_001346440.2); c.-77G>A (NM_170753.3); short protein forms G443E.
Identifiers: ClinVar variation 1422001 (VCV001422001.5), dbSNP rs755054032, ClinGen allele CA5496349.